The following is an entry in ClinVar:

ClinVar aggregate classification (germline): Benign. Review status: criteria provided, multiple submitters, no conflicts (2 of 4 stars). 2 submissions from 2 submitters: Benign (2). Last evaluated 2018-06-14.

Allele frequency attached by ClinVar (database versions not stated): gnomAD 0.34429 and 0.34523; TOPMed 0.34760; 1000 Genomes Project 30x 0.37523; 1000 Genomes Project 0.37800.
gnomAD v4.1: 52,359 of 151,922 alleles (34%); highest among the groups gnomAD compares: East Asian, 47%; 9,415 homozygotes.

Submissions (2):

GeneDx
Classification: Benign. Last evaluated: 2018-06-14. Review status: criteria provided, single submitter. Criteria: GeneDx Variant Classification (06012015). Collection method: clinical testing. Allele origin: germline. Affected: yes.
Comment: This variant is considered likely benign or benign based on one or more of the following criteria: it is a conservative change, it occurs at a poorly conserved position in the protein, it is predicted to be benign by multiple in silico algorithms, and/or has population frequency not consistent with disease.

Breakthrough Genomics
Classification: Benign. Review status: criteria provided, single submitter. Criteria: ACMG Guidelines, 2015. Collection method: not provided. Allele origin: germline. Inheritance: Autosomal recessive inheritance. Affected: yes.

NM_002474.3(MYH11):c.-17-248G>A

Gene: MYH11 (myosin heavy chain 11; minus strand). Cytogenetic location: 16p13.11.
Variant type: single nucleotide variant.
Coding change: c.-17-248G>A on transcript NM_002474.3 (MANE Select); 248 bases into the intron before 17 bases upstream of the start codon, G replaced by A.
Molecular consequence: intron variant.
Genome position (GRCh38, 1-based): chr16:15,838,517, C>T on the plus strand (G>A on the coding strand, the complement: MYH11 is on the minus strand). VCF-style: chr16-15838517-C-T. GRCh37 (hg19) VCF-style: chr16-15932374-C-T.
Other names: c.-17-248G>A (NM_022844.3, NM_001040114.2, NM_001040113.2).
Identifiers: ClinVar variation 680648 (VCV000680648.2), dbSNP rs58145782, ClinGen allele CA14214184.